The following is an entry in ClinVar:

NM_002010.3(FGF9):c.583G>A (p.Asp195Asn)

Gene: FGF9 (fibroblast growth factor 9; plus strand). Cytogenetic location: 13q12.11.
Variant type: single nucleotide variant.
Coding change: c.583G>A on transcript NM_002010.3 (MANE Select); coding-DNA position 583, G replaced by A.
Protein change: p.Asp195Asn; replaces aspartic acid 195 with asparagine.
Molecular consequence: missense variant.
Genome position (GRCh38, 1-based): chr13:21,701,391, G>A. VCF-style: chr13-21701391-G-A. GRCh37 (hg19) VCF-style: chr13-22275530-G-A.
Other names: short protein forms D195N.
Identifiers: ClinVar variation 2904795 (VCV002904795.3), dbSNP rs369272027, ClinGen allele CA6909519.

ClinVar aggregate classification (germline): Uncertain significance (1 of 4 stars; one submission).

Allele frequency attached by ClinVar (database versions not stated): ESP Exome Variant Server 0.00008.
gnomAD v4.1: 46 of 1,613,722 alleles (0.0029%); highest among the groups gnomAD compares: South Asian, 0.018%; no homozygotes.

Submission:

Labcorp Genetics (formerly Invitae), Labcorp
Classification: Uncertain significance. Last evaluated: 2024-01-21. Review status: criteria provided, single submitter. Criteria: Invitae Variant Classification Sherloc (09022015). Collection method: clinical testing. Allele origin: germline.
Comment: This sequence change replaces aspartic acid, which is acidic and polar, with asparagine, which is neutral and polar, at codon 195 of the FGF9 protein (p.Asp195Asn). This variant is present in population databases (rs369272027, gnomAD 0.01%). This variant has not been reported in the literature in individuals affected with FGF9-related conditions. An algorithm developed to predict the effect of missense changes on protein structure and function (PolyPhen-2) suggests that this variant is likely to be tolerated. In summary, the available evidence is currently insufficient to determine the role of this variant in disease. Therefore, it has been classified as a Variant of Uncertain Significance.